The following is an entry in ClinVar:

NM_014159.7(SETD2):c.1697C>G (p.Ser566Cys)

Gene: SETD2 (SET domain containing 2, histone lysine methyltransferase; minus strand). Cytogenetic location: 3p21.31.
Variant type: single nucleotide variant.
Coding change: c.1697C>G on transcript NM_014159.7 (MANE Select); coding-DNA position 1697, C replaced by G.
Protein change: p.Ser566Cys; replaces serine 566 with cysteine.
Molecular consequence: missense variant. On other transcripts: non-coding transcript variant (1).
Genome position (GRCh38, 1-based): chr3:47,122,939, G>C on the plus strand (C>G on the coding strand, the complement: SETD2 is on the minus strand). VCF-style: chr3-47122939-G-C. GRCh37 (hg19) VCF-style: chr3-47164429-G-C.
Other names: c.1565C>G, p.Ser522Cys (NM_001349370.3); short protein forms S566C, S522C.
Identifiers: ClinVar variation 1027829 (VCV001027829.29), dbSNP rs2043162382, ClinGen allele CA352529508.

ClinVar aggregate classification (germline): Uncertain significance. Review status: criteria provided, multiple submitters, no conflicts (2 of 4 stars). 5 submissions from 5 submitters: Uncertain significance (4). 1 of the submissions does not count toward it. Last evaluated 2025-02-20.

Conditions:
Inborn genetic diseases. Identifiers: MedGen C0950123, MeSH D030342.
Luscan-Lumish syndrome. Identifiers: Orphanet 597738, MedGen C4085873, MONDO:0014791, OMIM 616831.
Autism (AUTS). Also called: Autistic disorder; Autistic disorder of childhood onset. Identifiers: MedGen C0004352, MeSH D001321, MONDO:0005260, OMIM 209850, HP:0000717.

Allele frequency attached by ClinVar (database versions not stated): gnomAD exomes below 0.00001.
gnomAD v4.1: 6 of 1,612,436 alleles (0.00037%); highest among the groups gnomAD compares: Middle Eastern, 0.017%; no homozygotes.

Submissions (5):

Ambry Genetics
Classification: Uncertain significance for Inborn genetic diseases. Last evaluated: 2025-02-20. Review status: criteria provided, single submitter. Criteria: Ambry Variant Classification Scheme 2023. Collection method: clinical testing. Allele origin: germline.

CeGaT Center for Human Genetics Tuebingen
Classification: Uncertain significance. Last evaluated: 2023-09-01. Review status: criteria provided, single submitter. Criteria: CeGaT Center For Human Genetics Tuebingen Variant Classification Criteria Version 2. Collection method: clinical testing. Allele origin: germline. Affected: yes. Observed: 1 variant allele.
Comment: SETD2: PM2, BP4

Institute of Human Genetics, Clinical Exome/Genome Diagnostics Group, University Hospital Bonn
Classification: Uncertain significance for Luscan-Lumish syndrome. Last evaluated: 2022-05-12. Review status: criteria provided, single submitter. Criteria: ACMG Guidelines, 2015. Collection method: clinical testing. Allele origin: germline. Affected: yes.

Baylor Genetics
Classification: Uncertain significance for Luscan-Lumish syndrome. Last evaluated: 2019-09-06. Review status: criteria provided, single submitter. Criteria: ACMG Guidelines, 2015. Collection method: clinical testing. Allele origin: unknown. Affected: yes.
Comment: This variant was determined to be of uncertain significance according to ACMG Guidelines, 2015 [PMID:25741868].

Centre for Addiction & Mental Health
Classification: Uncertain significance for Autism. Review status: no assertion criteria provided. Collection method: research. Allele origin: biparental. Affected: yes. Observed: 1 homozygote. Segregation with disease observed. Not counted in ClinVar's aggregate classification.
Comment: Nonsynonymous variant in known disease gene; no homozygotes in gnomAD control data, but no functional assay data available